The following is an entry in ClinVar:

ClinVar aggregate classification (germline): Conflicting classifications of pathogenicity. Review status: criteria provided, conflicting classifications (1 of 4 stars). 3 submissions from 3 submitters: Uncertain significance (1); Likely benign (2). Last evaluated 2025-08-28.

Conditions:
Mowat-Wilson syndrome (MOWS). Also called: Classic Mowat-Wilson Syndrome. Identifiers: Orphanet 2152, MedGen C1856113, MONDO:0009341, OMIM 235730.

Allele frequency attached by ClinVar (database versions not stated): gnomAD exomes below 0.00001; ExAC 0.00001.
gnomAD v4.1: 19 of 1,614,150 alleles (0.0012%); highest among the groups gnomAD compares: Non-Finnish European, 0.0016%; no homozygotes.

Submissions (3):

Labcorp Genetics (formerly Invitae), Labcorp
Classification: Uncertain significance for Mowat-Wilson syndrome. Last evaluated: 2025-08-28. Review status: criteria provided, single submitter. Criteria: Invitae Variant Classification Sherloc (09022015). Collection method: clinical testing. Allele origin: germline.
Comment: This sequence change replaces aspartic acid, which is acidic and polar, with glycine, which is neutral and non-polar, at codon 876 of the ZEB2 protein (p.Asp876Gly). This variant is present in population databases (rs779103467, gnomAD 0.0009%). This variant has not been reported in the literature in individuals affected with ZEB2-related conditions. ClinVar contains an entry for this variant (Variation ID: 681961). Invitae Evidence Modeling of protein sequence and biophysical properties (such as structural, functional, and spatial information, amino acid conservation, physicochemical variation, residue mobility, and thermodynamic stability) indicates that this missense variant is not expected to disrupt ZEB2 protein function with a negative predictive value of 80%. In summary, the available evidence is currently insufficient to determine the role of this variant in disease. Therefore, it has been classified as a Variant of Uncertain Significance.

Genome-Nilou Lab
Classification: Likely benign for Mowat-Wilson syndrome. Last evaluated: 2021-11-07. Review status: criteria provided, single submitter. Criteria: ACMG Guidelines, 2015. Collection method: clinical testing. Allele origin: germline. Affected: no.

GeneDx
Classification: Likely benign. Last evaluated: 2018-04-17. Review status: criteria provided, single submitter. Criteria: GeneDx Variant Classification (06012015). Collection method: clinical testing. Allele origin: germline. Affected: yes.
Comment: This variant is considered likely benign or benign based on one or more of the following criteria: it is a conservative change, it occurs at a poorly conserved position in the protein, it is predicted to be benign by multiple in silico algorithms, and/or has population frequency not consistent with disease.

NM_014795.4(ZEB2):c.2627A>G (p.Asp876Gly)

Gene: ZEB2 (zinc finger E-box binding homeobox 2; minus strand). Cytogenetic location: 2q22.3.
Variant type: single nucleotide variant.
Coding change: c.2627A>G on transcript NM_014795.4 (MANE Select); coding-DNA position 2627, A replaced by G.
Protein change: p.Asp876Gly; replaces aspartic acid 876 with glycine.
Molecular consequence: missense variant.
Genome position (GRCh38, 1-based): chr2:144,398,560, T>C on the plus strand (A>G on the coding strand, the complement: ZEB2 is on the minus strand). VCF-style: chr2-144398560-T-C. GRCh37 (hg19) VCF-style: chr2-145156127-T-C.
Other names: c.2555A>G, p.Asp852Gly (NM_001171653.2); short protein forms D876G, D852G.
Identifiers: ClinVar variation 681961 (VCV000681961.13), dbSNP rs779103467, ClinGen allele CA1898226.
Genomic context (GRCh38, chr2:144,398,560, plus strand): 5'-GTGTATAAAGGTTTGGCACTAAATGGGTTCATGCTGAACACTGGGTTAGTGCTTTTGTTG[T>C]CCAGATTATTTGAATTTGAAAATTCCTTCTTGATAAAAGTCAAGTTCAGAGGCTCATCTG-3'
Protein context (NP_055610.1, residues 866-886): KKEFSNSNNL[Asp876Gly]NKSTNPVFSM